The following is an entry in ClinVar:

NM_000455.5(STK11):c.1180G>A (p.Gly394Ser)

Gene: STK11 (serine/threonine kinase 11; plus strand). Cytogenetic location: 19p13.3.
Variant type: single nucleotide variant.
Coding change: c.1180G>A on transcript NM_000455.5 (MANE Select); coding-DNA position 1180, G replaced by A.
Protein change: p.Gly394Ser; replaces glycine 394 with serine.
Molecular consequence: missense variant.
Genome position (GRCh38, 1-based): chr19:1,226,525, G>A. VCF-style: chr19-1226525-G-A. GRCh37 (hg19) VCF-style: chr19-1226524-G-A.
Other names: p.Gly394Ser; short protein forms G394S.
Identifiers: ClinVar variation 184046 (VCV000184046.43), dbSNP rs768780695, ClinGen allele CA022410.
Genomic context (GRCh38, chr19:1,226,525, plus strand): 5'-GAAGAGGAGGCCAGTCACAATGGACAGCGCCGGGGCCTCCCCAAGGCCGTGTGTATGAAC[G>A]GCACAGAGGCGGCGCAGCTGAGCACCAAATCCAGGGCGGAGGGCCGGGCCCCCAACCCTG-3'
Protein context (NP_000446.1, residues 384-404): RGLPKAVCMN[Gly394Ser]TEAAQLSTKS

ClinVar aggregate classification (germline): Conflicting classifications of pathogenicity. Review status: criteria provided, conflicting classifications (1 of 4 stars). 15 submissions from 15 submitters: Uncertain significance (13); Benign (1). 1 of the submissions does not count toward it. Last evaluated 2026-01-05.

Conditions:
Melanoma, cutaneous malignant, susceptibility to, 1 (CMM1). Also called: MELANOMA, MALIGNANT; DYSPLASTIC NEVUS SYNDROME, HEREDITARY; FAMILIAL ATYPICAL MOLE-MALIGNANT MELANOMA SYNDROME; B-K MOLE SYNDROME. Identifiers: Orphanet 618, MedGen C1835047, MONDO:0007963, OMIM 155600.
Germ cell tumor of testis (TGCT). Also called: GERM CELL TUMOR, SOMATIC; Testicular germ cell tumor. Identifiers: Orphanet 363504, MedGen C1336708, MONDO:0010108, OMIM 273300.
Peutz-Jeghers syndrome (PJS). Also called: POLYPOSIS, HAMARTOMATOUS INTESTINAL; POLYPS-AND-SPOTS SYNDROME; Peutz-Jeghers polyposis; Periorificial lentiginosis syndrome. Identifiers: Orphanet 2869, MedGen C0031269, MeSH D010580, MONDO:0008280, OMIM 175200.
Carcinoma of pancreas. Also called: PANCREATIC ACINAR CARCINOMA; PANCREATIC CARCINOMA; Pancreatic cancer, somatic; Pancreatic carcinoma, somatic; Exocrine pancreatic carcinoma. Identifiers: Orphanet 1333, Orphanet 217074, MedGen C0235974, MONDO:0005192. Disease mechanism: loss of function.
Hereditary cancer-predisposing syndrome. Also called: Neoplastic Syndromes, Hereditary; Hereditary neoplastic syndrome; Tumor predisposition; Hereditary Cancer Syndrome. Identifiers: Orphanet 140162, MedGen C0027672, MeSH D009386, MONDO:0015356.
Embryonal rhabdomyosarcoma (ERMS). Also called: Botryoid rhabdomyosarcoma (type of ERMS); Spindle cell rhabdomyosarcomas (type of ERMS). Identifiers: Orphanet 99757, MedGen C0206656, MONDO:0009993, HP:0006743.

Submissions (15):

Labcorp Genetics (formerly Invitae), Labcorp
Classification: Benign for Peutz-Jeghers syndrome. Last evaluated: 2026-01-05. Review status: criteria provided, single submitter. Criteria: Invitae Variant Classification Sherloc (09022015). Collection method: clinical testing. Allele origin: germline.

Dasa
Classification: Uncertain significance. Last evaluated: 2025-11-04. Review status: criteria provided, single submitter. Criteria: DASA Assertion Criteria. Collection method: clinical testing. Allele origin: germline.
Comment: NM_000455.5(STK11):c.1180G>A (p.Gly394Ser) is a missense variant that results in the substitution of glycine with serine. This variant is rare in population databases. The currently available literature and clinical evidence are not sufficient to establish a definitive association between this variant and the reported condition. Therefore, this variant is classified as a variant of uncertain significance.

Color Diagnostics, LLC DBA Color Health
Classification: Uncertain significance for Hereditary cancer-predisposing syndrome. Last evaluated: 2025-07-21. Review status: criteria provided, single submitter. Criteria: ACMG Guidelines, 2015. Collection method: clinical testing. Allele origin: germline.
Comment: This missense variant replaces glycine with serine at codon 394 of the STK11 protein. Computational prediction suggests that this variant may not impact protein structure and function. To our knowledge, functional studies have not been reported for this variant. This variant has not been reported in individuals affected with STK11-related disorders in the literature. This variant has been identified in 4/236716 chromosomes in the general population by the Genome Aggregation Database (gnomAD). The available evidence is insufficient to determine the role of this variant in disease conclusively. Therefore, this variant is classified as a Variant of Uncertain Significance.

Ambry Genetics
Classification: Uncertain significance for Hereditary cancer-predisposing syndrome. Last evaluated: 2025-05-25. Review status: criteria provided, single submitter. Criteria: Ambry Variant Classification Scheme 2023. Collection method: clinical testing. Allele origin: germline.
Comment: The p.G394S variant (also known as c.1180G>A), located in coding exon 9 of the STK11 gene, results from a G to A substitution at nucleotide position 1180. The glycine at codon 394 is replaced by serine, an amino acid with similar properties. This variant was detected in cohort of 850 colorectal cancer patients (Svensson S et al. Genes Chromosomes Cancer, 2022 Oct;61:585-591). This amino acid position is highly conserved in available vertebrate species. In addition, the in silico prediction for this alteration is inconclusive. Based on the available evidence, the clinical significance of this variant remains unclear.

Women's Health and Genetics/Laboratory Corporation of America, LabCorp
Classification: Uncertain significance. Last evaluated: 2024-07-08. Review status: criteria provided, single submitter. Criteria: LabCorp Variant Classification Summary - May 2015. Collection method: clinical testing. Allele origin: germline.
Comment: Variant summary: STK11 c.1180G>A (p.Gly394Ser) results in a non-conservative amino acid change in the encoded protein sequence. Three of five in-silico tools predict a benign effect of the variant on protein function. The variant allele was found at a frequency of 1.7e-05 in 236716 control chromosomes. The available data on variant occurrences in the general population are insufficient to allow any conclusion about variant significance. c.1180G>A has been reported in the literature in individuals affected with epilepsy or colorectal cancer (examples: Atli_2021, Svensson_2022). These report(s) do not provide unequivocal conclusions about association of the variant with Peutz-Jeghers Syndrome. To our knowledge, no experimental evidence demonstrating an impact on protein function has been reported. The following publications have been ascertained in the context of this evaluation (PMID: 33528079, 35430768). ClinVar contains an entry for this variant (Variation ID: 184046). Based on the evidence outlined above, the variant was classified as uncertain significance.

All of Us Research Program, National Institutes of Health
Classification: Uncertain significance for Peutz-Jeghers syndrome. Last evaluated: 2024-03-05. Review status: criteria provided, single submitter. Criteria: ACMG Guidelines, 2015. Collection method: clinical testing. Allele origin: germline. Inheritance: Autosomal dominant inheritance. Observed: 3 variant alleles, 3 heterozygotes.
Comment: This missense variant replaces glycine with serine at codon 394 of the STK11 protein. Computational prediction suggests that this variant may not impact protein structure and function (internally defined REVEL score threshold <= 0.5, PMID: 27666373). To our knowledge, functional studies have not been reported for this variant. This variant has not been reported in individuals affected with hereditary cancer in the literature. This variant has been identified in 4/236716 chromosomes in the general population by the Genome Aggregation Database (gnomAD). The available evidence is insufficient to determine the role of this variant in disease conclusively. Therefore, this variant is classified as a Variant of Uncertain Significance.

This study involves interpretation of variants in research participants for the purpose of population health screening. Participant phenotype was not available at the time of variant classification. Additional details can be found in publication PMID: 35346344, PMCID: PMC8962531

Myriad Genetics, Inc.
Classification: Uncertain significance for Peutz-Jeghers syndrome. Last evaluated: 2023-04-12. Review status: criteria provided, single submitter. Criteria: Myriad Autosomal Dominant, Autosomal Recessive and X-Linked Classification Criteria (2023). Collection method: clinical testing. Allele origin: unknown.
Comment: This variant is classified as a variant of uncertain significance as there is insufficient evidence to determine its impact on protein function and/or cancer risk.

Clinical Genetics Laboratory, Skane University Hospital Lund
Classification: Uncertain significance. Last evaluated: 2023-03-27. Review status: criteria provided, single submitter. Criteria: ACMG Guidelines, 2015. Collection method: clinical testing. Allele origin: germline. Affected: yes.

Mayo Clinic Laboratories, Mayo Clinic
Classification: Uncertain significance. Last evaluated: 2023-02-08. Review status: criteria provided, single submitter. Criteria: ACMG Guidelines, 2015. Collection method: clinical testing. Allele origin: germline. Observed: 1 variant allele.
Comment: PM2

GeneDx
Classification: Uncertain significance. Last evaluated: 2022-07-20. Review status: criteria provided, single submitter. Criteria: GeneDx Variant Classification Process June 2021. Collection method: clinical testing. Allele origin: germline. Affected: yes.
Comment: Not observed at significant frequency in large population cohorts (gnomAD); In silico analysis supports that this missense variant does not alter protein structure/function; Has not been previously published as pathogenic or benign to our knowledge; This variant is associated with the following publications: (PMID: 33528079)

Fulgent Genetics
Classification: Uncertain significance for Melanoma, cutaneous malignant, susceptibility to, 1; Peutz-Jeghers syndrome; Familial pancreatic carcinoma; Germ cell tumor of testis. Last evaluated: 2022-05-16. Review status: criteria provided, single submitter. Criteria: ACMG Guidelines, 2015. Collection method: clinical testing. Allele origin: unknown.

Genome-Nilou Lab
Classification: Uncertain significance for Peutz-Jeghers syndrome. Last evaluated: 2021-07-15. Review status: criteria provided, single submitter. Criteria: ACMG Guidelines, 2015. Collection method: clinical testing. Allele origin: germline. Affected: no.

Mendelics
Classification: Uncertain significance for Peutz-Jeghers syndrome. Last evaluated: 2018-07-02. Review status: criteria provided, single submitter. Criteria: Mendelics Assertion Criteria 2017. Collection method: clinical testing. Allele origin: unknown.

St. Jude Molecular Pathology, St. Jude Children's Research Hospital
Classification: Uncertain significance for Embryonal rhabdomyosarcoma. Last evaluated: 2017-06-19. Review status: criteria provided, single submitter. Criteria: ACMG Guidelines, 2015. Collection method: clinical testing. Allele origin: germline. Affected: yes.

Counsyl
Classification: Uncertain significance for Peutz-Jeghers syndrome. Last evaluated: 2016-09-29. Review status: no assertion criteria provided. Collection method: clinical testing. Allele origin: unknown. Not counted in ClinVar's aggregate classification.

Literature cited by the submitters: PubMed 35430768 (cited by Ambry Genetics and Women's Health and Genetics/Laboratory Corporation of America, LabCorp); PubMed 33528079 (cited by Women's Health and Genetics/Laboratory Corporation of America, LabCorp).